The following is an entry in ClinVar:

ClinVar aggregate classification (germline): Benign. Review status: criteria provided, multiple submitters, no conflicts (2 of 4 stars). 7 submissions from 7 submitters: Benign (7). Last evaluated 2026-02-04.

Conditions:
Leukocyte adhesion deficiency 1 (LAD1). Also called: LEUKOCYTE ADHESION DEFICIENCY, TYPE I; LAD 1; Lymphocyte function-associated antigen 1 immunodeficiency; LFA 1 immunodeficiency. Identifiers: Orphanet 2968, Orphanet 99842, MedGen C0398738, MONDO:0007293, OMIM 116920.

Allele frequency attached by ClinVar (database versions not stated): 1000 Genomes Project 0.10982; 1000 Genomes Project 30x 0.11149; ESP Exome Variant Server 0.11818; gnomAD 0.13062 and 0.13213; TOPMed 0.13076; ExAC 0.14972.
gnomAD v4.1: 241,176 of 1,613,630 alleles (15%); highest among the groups gnomAD compares: Admixed American, 25%; 19,359 homozygotes.

Submissions (7):

Labcorp Genetics (formerly Invitae), Labcorp
Classification: Benign for Leukocyte adhesion deficiency 1. Last evaluated: 2026-02-04. Review status: criteria provided, single submitter. Criteria: Invitae Variant Classification Sherloc (09022015). Collection method: clinical testing. Allele origin: germline.

Women's Health and Genetics/Laboratory Corporation of America, LabCorp
Classification: Benign. Last evaluated: 2026-01-21. Review status: criteria provided, single submitter. Criteria: LabCorp Variant Classification Summary - May 2015. Collection method: clinical testing. Allele origin: germline.

Unidad de Genómica Garrahan, Hospital de Pediatría Garrahan
Classification: Benign. Last evaluated: 2024-01-24. Review status: criteria provided, single submitter. Criteria: ACMG Guidelines, 2015. Collection method: clinical testing. Allele origin: germline. Affected: no. Observed: 29 variant alleles.
Comment: This variant is classified as Benign based on local population frequency. This variant was detected in 31% of patients studied by a panel of primary immunodeficiencies. Number of patients: 29. Only high quality variants are reported.

Illumina Laboratory Services, Illumina
Classification: Benign for Leukocyte adhesion deficiency 1. Last evaluated: 2018-01-13. Review status: criteria provided, single submitter. Criteria: ICSL Variant Classification Criteria 13 December 2019. Collection method: clinical testing. Allele origin: germline.
Comment: This variant was observed in the ICSL laboratory as part of a predisposition screen in an ostensibly healthy population. It had not been previously curated by ICSL or reported in the Human Gene Mutation Database (HGMD: prior to June 1st, 2018), and was therefore a candidate for classification through an automated scoring system. Utilizing variant allele frequency, disease prevalence and penetrance estimates, and inheritance mode, an automated score was calculated to assess if this variant is too frequent to cause the disease. Based on the score and internal cut-off values, a variant classified as benign is not then subjected to further curation. The score for this variant resulted in a classification of benign for this disease.

Laboratory for Molecular Medicine, Mass General Brigham Personalized Medicine
Classification: Benign. Last evaluated: 2016-03-28. Review status: criteria provided, single submitter. Criteria: LMM Criteria. Collection method: clinical testing. Allele origin: germline.
Comment: Variant identified in a genome or exome case(s) and assessed due to predicted null impact of the variant or pathogenic assertions in the literature or databases. Disclaimer: This variant has not undergone full assessment. The following are preliminary notes: Frequency

GeneDx
Classification: Benign. Last evaluated: 2015-03-03. Review status: criteria provided, single submitter. Criteria: GeneDx Variant Classification Process June 2021. Collection method: clinical testing. Allele origin: germline. Affected: yes.

Breakthrough Genomics
Classification: Benign. Review status: criteria provided, single submitter. Criteria: ACMG Guidelines, 2015. Collection method: not provided. Allele origin: germline. Inheritance: Autosomal recessive inheritance. Affected: yes.

NM_000211.5(ITGB2):c.328+15G>A

Gene: ITGB2 (integrin subunit beta 2; minus strand). Cytogenetic location: 21q22.3.
Variant type: single nucleotide variant.
Coding change: c.328+15G>A on transcript NM_000211.5 (MANE Select); 15 bases into the intron after coding-DNA position 328, G replaced by A.
Molecular consequence: intron variant.
Genome position (GRCh38, 1-based): chr21:44,906,900, C>T on the plus strand (G>A on the coding strand, the complement: ITGB2 is on the minus strand). VCF-style: chr21-44906900-C-T. GRCh37 (hg19) VCF-style: chr21-46326815-C-T.
Other names: c.328+15G>A (NM_001127491.3); c.121+15G>A (NM_001303238.2).
Identifiers: ClinVar variation 340174 (VCV000340174.21), dbSNP rs5030668, ClinGen allele CA10063258.